The following is an entry in ClinVar:

ClinVar aggregate classification (germline): Pathogenic (1 of 4 stars; one submission).

Submission:

GeneDx
Classification: Pathogenic. Last evaluated: 2020-03-26. Review status: criteria provided, single submitter. Criteria: GeneDx Variant Classification Process June 2021. Collection method: clinical testing. Allele origin: germline. Affected: yes.
Comment: Has not been previously published as pathogenic or benign to our knowledge; Not observed in large population cohorts (Lek et al., 2016); Frameshift variant predicted to result in protein truncation or nonsense mediated decay in a gene for which loss-of-function is a known mechanism of disease

NM_000138.5(FBN1):c.225del (p.Gly76fs)

Gene: FBN1 (fibrillin 1; minus strand). Cytogenetic location: 15q21.1.
Variant type: Deletion.
Coding change: c.225del on transcript NM_000138.5 (MANE Select); coding-DNA position 225, one base deleted (T; older notation c.225delT).
Protein change: p.Gly76fs; shifts the reading frame from glycine 76.
Molecular consequence: frameshift variant.
Genome position (GRCh38, 1-based): chr15:48,613,032, A deleted on the plus strand (T on the coding strand, the reverse complement: FBN1 is on the minus strand). VCF-style (leftmost placement, unchanged base first): chr15-48613031-CA-C. GRCh37 (hg19) VCF-style: chr15-48905228-CA-C.
Other names: c.225delT (NM_000138.4); short protein forms G76fs.
Identifiers: ClinVar variation 200176 (VCV000200176.3), dbSNP rs794728324, ClinGen allele CA012902.